The following is an entry in ClinVar:

ClinVar aggregate classification (germline): Pathogenic (1 of 4 stars; one submission).

Submission:

Labcorp Genetics (formerly Invitae), Labcorp
Classification: Pathogenic. Last evaluated: 2023-12-10. Review status: criteria provided, single submitter. Criteria: Invitae Variant Classification Sherloc (09022015). Collection method: clinical testing. Allele origin: germline.
Comment: This sequence change creates a premature translational stop signal (p.Leu985Cysfs*57) in the ABCC8 gene. It is expected to result in an absent or disrupted protein product. Loss-of-function variants in ABCC8 are known to be pathogenic (PMID: 20685672, 23345197). This variant is not present in population databases (gnomAD no frequency). This variant has not been reported in the literature in individuals affected with ABCC8-related conditions. Algorithms developed to predict the effect of sequence changes on RNA splicing suggest that this variant may disrupt the consensus splice site. For these reasons, this variant has been classified as Pathogenic.

Literature cited by the submitters: PubMed 20685672; PubMed 23345197.

NM_000352.6(ABCC8):c.2953del (p.Leu985fs)

Gene: ABCC8 (ATP binding cassette subfamily C member 8; minus strand). Cytogenetic location: 11p15.1.
Variant type: Deletion.
Coding change: c.2953del on transcript NM_000352.6 (MANE Select); coding-DNA position 2953, one base deleted (C; older notation c.2953delC).
Protein change: p.Leu985fs; shifts the reading frame from leucine 985.
Molecular consequence: frameshift variant. On other transcripts: non-coding transcript variant (1).
Genome position (GRCh38, 1-based): chr11:17,407,097, G deleted on the plus strand (C on the coding strand, the reverse complement: ABCC8 is on the minus strand); the first of 2 consecutive G bases (chr11:17,407,097-17,407,098); deleting either gives the same sequence. VCF-style (leftmost placement, unchanged base first): chr11-17407096-AG-A. GRCh37 (hg19) VCF-style: chr11-17428643-AG-A.
Other names: c.2956del, p.Leu986fs (NM_001287174.3); c.3019del, p.Leu1007fs (NM_001351295.2); c.2953del, p.Leu985fs (NM_001351296.2); c.2950del, p.Leu984fs (NM_001351297.2); short protein forms L1007fs, L986fs, L984fs, L985fs.
Identifiers: ClinVar variation 2701035 (VCV002701035.3), dbSNP rs2496532246, ClinGen allele CA2697548437.